The following is an entry in ClinVar:

ClinVar aggregate classification (germline): Pathogenic (1 of 4 stars; one submission).

Conditions:
Salla disease (SD). Also called: Sialuria, Finnish type; N-acetylneuraminic acid (NANA) storage disease (NSD); Infantile sialic acid storage disorder (ISSD); Less Severe FSASD (Salla Disease). Identifiers: Orphanet 309334, Orphanet 834, MedGen C1096903, MONDO:0011449, OMIM 604369.

Submission:

Labcorp Genetics (formerly Invitae), Labcorp
Classification: Pathogenic for Salla disease. Last evaluated: 2022-11-08. Review status: criteria provided, single submitter. Criteria: Invitae Variant Classification Sherloc (09022015). Collection method: clinical testing. Allele origin: germline.
Comment: For these reasons, this variant has been classified as Pathogenic. This variant has not been reported in the literature in individuals affected with SLC17A5-related conditions. This variant is not present in population databases (gnomAD no frequency). This sequence change creates a premature translational stop signal (p.Gln253*) in the SLC17A5 gene. It is expected to result in an absent or disrupted protein product. Loss-of-function variants in SLC17A5 are known to be pathogenic (PMID: 10581036, 10947946, 15172001).

Literature cited by the submitters: PubMed 10581036; PubMed 10947946; PubMed 15172001.

NM_012434.5(SLC17A5):c.757C>T (p.Gln253Ter)

Gene: SLC17A5 (solute carrier family 17 member 5; minus strand). Cytogenetic location: 6q13.
Variant type: single nucleotide variant.
Coding change: c.757C>T on transcript NM_012434.5 (MANE Select); coding-DNA position 757, C replaced by T.
Protein change: p.Gln253Ter; replaces glutamine 253 with a stop codon.
Molecular consequence: nonsense.
Genome position (GRCh38, 1-based): chr6:73,635,444, G>A on the plus strand (C>T on the coding strand, the complement: SLC17A5 is on the minus strand). VCF-style: chr6-73635444-G-A. GRCh37 (hg19) VCF-style: chr6-74345167-G-A.
Other names: c.526C>T, p.Gln176Ter (NM_001382629.1); c.757C>T, p.Gln253Ter (NM_001382630.1, NM_001382633.1, NM_001382634.1); c.778C>T, p.Gln260Ter (NM_001382631.1); c.670C>T, p.Gln224Ter (NM_001382632.1); c.754C>T, p.Gln252Ter (NM_001382635.1); c.439C>T, p.Gln147Ter (NM_001382636.1); short protein forms Q176*, Q260*, Q147*, Q252*, Q224*, Q253*.
Identifiers: ClinVar variation 2812713 (VCV002812713.3), dbSNP rs2533491152, ClinGen allele CA364716122.
Genomic context (GRCh38, chr6:73,635,444, plus strand): 5'-GATTTCTTAATGATGAAAGAATGTATTCCTTTTCATAATGGGAAATTCTCTTGTGTTTTT[G>A]TGGTGTGTCACTAACTAACCAGATCCACAAAAGAAACCAAAATATTCCAATAGTACCTTA-3'